The following is an entry in ClinVar:

ClinVar aggregate classification (germline): Pathogenic. Review status: criteria provided, multiple submitters, no conflicts (2 of 4 stars). 4 submissions from 4 submitters: Pathogenic (4). Last evaluated 2024-04-15.

Conditions:
Usher syndrome type 1F (USH1F). Also called: USHER SYNDROME, TYPE IF. Identifiers: Orphanet 231169, Orphanet 886, MedGen C1865885, MONDO:0011186, OMIM 602083.
Autosomal recessive nonsyndromic hearing loss 23. Identifiers: Orphanet 90636, MedGen C1836027, MONDO:0012293, OMIM 609533.
Usher syndrome type 1D (USH1D). Also called: USHER SYNDROME, TYPE ID. Identifiers: Orphanet 231169, Orphanet 886, MedGen C1832845, MONDO:0010984, OMIM 601067.

Allele frequency attached by ClinVar (database versions not stated): gnomAD exomes below 0.00001.

Submissions (4):

Fulgent Genetics
Classification: Pathogenic for Usher syndrome type 1D; Usher syndrome type 1F; Autosomal recessive nonsyndromic hearing loss 23. Last evaluated: 2024-04-15. Review status: criteria provided, single submitter. Criteria: ACMG Guidelines, 2015. Collection method: clinical testing. Allele origin: germline.

Baylor Genetics
Classification: Pathogenic for Autosomal recessive nonsyndromic hearing loss 23. Last evaluated: 2023-02-27. Review status: criteria provided, single submitter. Criteria: ACMG Guidelines, 2015. Collection method: clinical testing. Allele origin: unknown.

Labcorp Genetics (formerly Invitae), Labcorp
Classification: Pathogenic. Last evaluated: 2022-04-02. Review status: criteria provided, single submitter. Criteria: Invitae Variant Classification Sherloc (09022015). Collection method: clinical testing. Allele origin: germline.
Comment: This sequence change creates a premature translational stop signal (p.Ser144Leufs*16) in the PCDH15 gene. It is expected to result in an absent or disrupted protein product. Loss-of-function variants in PCDH15 are known to be pathogenic (PMID: 11398101, 11487575, 14570705). This variant is not present in population databases (gnomAD no frequency). For these reasons, this variant has been classified as Pathogenic. ClinVar contains an entry for this variant (Variation ID: 1343721). This premature translational stop signal has been observed in individual(s) with Usher syndrome (PMID: 16679490).

Women's Health and Genetics/Laboratory Corporation of America, LabCorp
Classification: Pathogenic for Usher syndrome type 1F. Last evaluated: 2022-02-07. Review status: criteria provided, single submitter. Criteria: LabCorp Variant Classification Summary - May 2015. Collection method: clinical testing. Allele origin: germline.
Comment: Variant summary: PCDH15 c.423_430dupTGACAACT (p.Ser144LeufsX16) results in a premature termination codon, predicted to cause a truncation of the encoded protein or absence of the protein due to nonsense mediated decay, which are commonly known mechanisms for disease. Truncations downstream of this position have been classified as pathogenic by our laboratory. The variant was absent in 250702 control chromosomes (gnomAD). c.423_430dupTGACAACT has been reported in the literature in individuals affected with Usher Syndrome (Roux_2006, LeGudard_2007). These data indicate that the variant may be associated with disease. To our knowledge, no experimental evidence demonstrating an impact on protein function has been reported. No clinical diagnostic laboratories have submitted clinical-significance assessments for this variant to ClinVar after 2014. Based on the evidence outlined above, the variant was classified as pathogenic.

Literature cited by the submitters: PubMed 11398101 (cited by Labcorp Genetics (formerly Invitae), Labcorp); PubMed 11487575 (cited by Labcorp Genetics (formerly Invitae), Labcorp); PubMed 14570705 (cited by Labcorp Genetics (formerly Invitae), Labcorp); PubMed 16679490 (cited by Labcorp Genetics (formerly Invitae), Labcorp and Women's Health and Genetics/Laboratory Corporation of America, LabCorp); PubMed 18719945 (cited by Women's Health and Genetics/Laboratory Corporation of America, LabCorp); PubMed 17277737 (cited by Women's Health and Genetics/Laboratory Corporation of America, LabCorp).

NM_001384140.1(PCDH15):c.423_430dup (p.Ser144fs)

Gene: PCDH15 (protocadherin related 15; minus strand). Cytogenetic location: 10q21.1.
Variant type: Duplication.
Coding change: c.423_430dup on transcript NM_001384140.1 (MANE Select); coding-DNA positions 423 to 430, 8 bases duplicated (TGACAACT; older notation c.423_430dupTGACAACT).
Protein change: p.Ser144fs; shifts the reading frame from serine 144.
Molecular consequence: frameshift variant.
Genome position (GRCh38, 1-based): chr10:54,369,164-54,369,171, AGTTGTCA duplicated on the plus strand (TGACAACT on the coding strand, the reverse complement: PCDH15 is on the minus strand). VCF-style (leftmost placement, unchanged base first): chr10-54369163-G-GAGTTGTCA. GRCh37 (hg19) VCF-style: chr10-56128923-G-GAGTTGTCA.
Other names: c.423_430dup (NM_033056.3); c.438_445dup, p.Ser149fs (NM_001142763.2, NM_001142771.2); c.423_430dup, p.Ser144fs (NM_001142764.2, NM_001142765.2, NM_001142766.2 and 8 more transcripts); c.357_364dup, p.Ser122fs (NM_001142768.2, NM_001142773.2, NM_001354404.2); c.438_445dup, p.Ser149Leufs (NM_001142769.4); short protein forms S122fs, S144fs, S149fs.
Identifiers: ClinVar variation 1343721 (VCV001343721.8), dbSNP rs2134714165, ClinGen allele CA2573053281.